The following is an entry in ClinVar:

ClinVar aggregate classification (germline): Likely pathogenic (1 of 4 stars; one submission).

Conditions:
Granulomatous disease, chronic, autosomal recessive, cytochrome b-positive, type 3. Also called: GRANULOMATOUS DISEASE, CHRONIC, AUTOSOMAL RECESSIVE, 3; CGD, AUTOSOMAL RECESSIVE CYTOCHROME b-POSITIVE, TYPE III; GRANULOMATOUS DISEASE, CHRONIC, DUE TO NCF4 DEFICIENCY; Granulomatous disease, chronic, autosomal recessive, cytochrome b-positive, type III. Identifiers: Orphanet 379, MedGen C3151409, MONDO:0013507, OMIM 613960.

Submission:

Department of Pediatrics, GMC Srinagar, Government Medical College Srinagar
Classification: Likely pathogenic for Granulomatous disease, chronic, autosomal recessive, cytochrome b-positive, type 3. Last evaluated: 2026-05-20. Review status: criteria provided, single submitter. Criteria: ACMG Guidelines, 2015. Collection method: clinical testing. Allele origin: biparental. Inheritance: Autosomal recessive inheritance. Affected: yes. Observed: 1 variant allele, 1 homozygote.
Comment: This variant is classified as likely pathogenic as it a frameshift indel variant (LOF is mechanism of disease, affects functionally important PB1 domain) and is absent in population databases (e.g., gnomAD v.4.1.1).

NM_000631.5(NCF4):c.842_843del (p.Glu281fs)

Gene: NCF4 (neutrophil cytosolic factor 4; plus strand). Cytogenetic location: 22q12.3.
Variant type: Microsatellite.
Coding change: c.842_843del on transcript NM_000631.5 (MANE Select); coding-DNA positions 842 to 843, 2 bases deleted (AG; older notation c.842_843delAG).
Protein change: p.Glu281fs; shifts the reading frame from glutamic acid 281.
Molecular consequence: frameshift variant. On other transcripts: 3 prime UTR variant (1).
Genome position (GRCh38, 1-based): chr22:36,877,645-36,877,646, AG deleted; deleting any 2 consecutive bases within chr22:36,877,639-36,877,646 gives the same sequence; the c. name uses the placement nearest the transcript's 3' end. VCF-style (leftmost placement, unchanged base first): chr22-36877638-CAG-C. GRCh37 (hg19) VCF-style: chr22-37273680-CAG-C.
Other names: c.*34AG[3] (NM_013416.4); short protein forms E281fs.
Identifiers: ClinVar variation 4851262 (VCV004851262.1).